The following is an entry in ClinVar:

NM_201384.3(PLEC):c.703C>T (p.Leu235Phe)

Gene: PLEC (plectin; minus strand). Cytogenetic location: 8q24.3.
Variant type: single nucleotide variant.
Coding change: c.703C>T on transcript NM_201384.3 (MANE Select); coding-DNA position 703, C replaced by T.
Protein change: p.Leu235Phe; replaces leucine 235 with phenylalanine.
Molecular consequence: missense variant.
Genome position (GRCh38, 1-based): chr8:143,935,213, G>A on the plus strand (C>T on the coding strand, the complement: PLEC is on the minus strand). VCF-style: chr8-143935213-G-A. GRCh37 (hg19) VCF-style: chr8-145009381-G-A.
Other names: c.784C>T, p.Leu262Phe (NM_000445.5, NM_001410941.1); c.661C>T, p.Leu221Phe (NM_201378.4); c.637C>T, p.Leu213Phe (NM_201379.3); c.1114C>T, p.Leu372Phe (NM_201380.4); c.607C>T, p.Leu203Phe (NM_201381.3); c.703C>T, p.Leu235Phe (NM_201382.4); c.715C>T, p.Leu239Phe (NM_201383.3); short protein forms L203F, L213F, L221F, L235F, L239F, L262F, L372F.
Identifiers: ClinVar variation 3756765 (VCV003756765.2).

ClinVar aggregate classification (germline): Uncertain significance (1 of 4 stars; one submission).

Conditions:
Epidermolysis bullosa simplex with nail dystrophy (EBS5D). Identifiers: MedGen C4225309, MONDO:0014661, OMIM 616487.
Epidermolysis bullosa simplex, Ogna type (EBS5A). Also called: Pidermolysis bullosa simplex 5A, Ogna type; EPIDERMOLYSIS BULLOSA SIMPLEX 5A, OGNA TYPE. Identifiers: Orphanet 79401, MedGen C0432317, MONDO:0007555, OMIM 131950.
Autosomal recessive limb-girdle muscular dystrophy type 2Q (LGMDR17). Also called: MUSCULAR DYSTROPHY, LIMB-GIRDLE, AUTOSOMAL RECESSIVE 17. Identifiers: Orphanet 254361, MedGen C3150989, MONDO:0013390, OMIM 613723.
Epidermolysis bullosa simplex 5B, with muscular dystrophy (EBS5B). Also called: EPIDERMOLYSIS BULLOSA SIMPLEX AND LIMB-GIRDLE MUSCULAR DYSTROPHY; Epidermolysis bullosa simplex with muscular dystrophy. Identifiers: Orphanet 257, MedGen C2931072, MONDO:0009181, OMIM 226670.
Epidermolysis bullosa simplex 5C, with pyloric atresia (EBS5C). Also called: PLEC-Related Epidermolysis Bullosa with Pyloric Atresia; Epidermolysis bullosa simplex with pyloric atresia; PLEC1-Related Epidermolysis Bullosa with Pyloric Atresia. Identifiers: Orphanet 158684, MedGen C2677349, MONDO:0012807, OMIM 612138.

gnomAD v4.1: 1 of 1,612,532 alleles (0.000062%); highest among the groups gnomAD compares: Non-Finnish European, 0.000085%; no homozygotes.

Submission:

Labcorp Genetics (formerly Invitae), Labcorp
Classification: Uncertain significance for Autosomal recessive limb-girdle muscular dystrophy type 2Q; Epidermolysis bullosa simplex, Ogna type; Epidermolysis bullosa simplex with nail dystrophy; Epidermolysis bullosa simplex 5C, with pyloric atresia; Epidermolysis bullosa simplex 5B, with muscular dystrophy. Last evaluated: 2024-06-24. Review status: criteria provided, single submitter. Criteria: Invitae Variant Classification Sherloc (09022015). Collection method: clinical testing. Allele origin: germline.
Comment: This sequence change replaces leucine, which is neutral and non-polar, with phenylalanine, which is neutral and non-polar, at codon 262 of the PLEC protein (p.Leu262Phe). This variant is present in population databases (no rsID available, gnomAD 0.007%). This variant has not been reported in the literature in individuals affected with PLEC-related conditions. Experimental studies and prediction algorithms are not available or were not evaluated, and the functional significance of this variant is currently unknown. In summary, the available evidence is currently insufficient to determine the role of this variant in disease. Therefore, it has been classified as a Variant of Uncertain Significance.